The following is an entry in ClinVar:

NM_001097577.3(ANG):c.436C>T (p.Arg146Cys)

Genes: ANG (angiogenin; plus strand), EGILA (EGFR interacting lncRNA; minus strand), RNASE4 (ribonuclease A family member 4; plus strand). Cytogenetic location: 14q11.2.
Variant type: single nucleotide variant.
Coding change: c.436C>T on transcript NM_001097577.3 (MANE Select); coding-DNA position 436, C replaced by T.
Protein change: p.Arg146Cys; replaces arginine 146 with cysteine.
Molecular consequence: missense variant. On other transcripts: intron variant (4).
Genome position (GRCh38, 1-based): chr14:20,694,000, C>T. VCF-style: chr14-20694000-C-T. GRCh37 (hg19) VCF-style: chr14-21162159-C-T.
Other names: c.436C>T, p.Arg146Cys (NM_001385271.1, NM_001385272.1, NM_001385273.1 and 2 more transcripts); c.-18+350C>T (NM_001282192.2); c.-17-5355C>T (NM_002937.5, NM_001282193.2); c.-18+5126C>T (NM_194431.3); short protein forms R146C.
Identifiers: ClinVar variation 2797295 (VCV002797295.3), dbSNP rs539098577, ClinGen allele CA7083196.

ClinVar aggregate classification (germline): Uncertain significance (1 of 4 stars; one submission).

Allele frequency attached by ClinVar (database versions not stated): gnomAD exomes 0.00001; 1000 Genomes Project 30x 0.00031; 1000 Genomes Project 0.00040; ExAC 0.00002.
gnomAD v4.1: 12 of 1,614,060 alleles (0.00074%); highest among the groups gnomAD compares: South Asian, 0.0077%; no homozygotes.

Submission:

Labcorp Genetics (formerly Invitae), Labcorp
Classification: Uncertain significance. Last evaluated: 2025-10-02. Review status: criteria provided, single submitter. Criteria: Invitae Variant Classification Sherloc (09022015). Collection method: clinical testing. Allele origin: germline.
Comment: This sequence change replaces arginine, which is basic and polar, with cysteine, which is neutral and slightly polar, at codon 146 of the ANG protein (p.Arg146Cys). This variant is present in population databases (rs539098577, gnomAD 0.006%). This variant has not been reported in the literature in individuals affected with ANG-related conditions. ClinVar contains an entry for this variant (Variation ID: 2797295). An algorithm developed to predict the effect of missense changes on protein structure and function (PolyPhen-2) suggests that this variant is likely to be tolerated. In summary, the available evidence is currently insufficient to determine the role of this variant in disease. Therefore, it has been classified as a Variant of Uncertain Significance.